The following is an entry in ClinVar:

NM_000273.3(GPR143):c.940A>G (p.Thr314Ala)

Gene: GPR143 (G protein-coupled receptor 143; minus strand). Cytogenetic location: Xp22.2.
Variant type: single nucleotide variant.
Coding change: c.940A>G on transcript NM_000273.3 (MANE Select); coding-DNA position 940, A replaced by G.
Protein change: p.Thr314Ala; replaces threonine 314 with alanine.
Molecular consequence: missense variant.
Genome position (GRCh38, 1-based): chrX:9,739,665, T>C on the plus strand (A>G on the coding strand, the complement: GPR143 is on the minus strand). VCF-style: chrX-9739665-T-C. GRCh37 (hg19) VCF-style: chrX-9707705-T-C.
Other names: c.940A>G, p.Thr314Ala (NM_001440781.1); short protein forms T314A.
Identifiers: ClinVar variation 4705274 (VCV004705274.1).

ClinVar aggregate classification (germline): Uncertain significance (1 of 4 stars; one submission).

Submission:

Labcorp Genetics (formerly Invitae), Labcorp
Classification: Uncertain significance. Last evaluated: 2025-07-27. Review status: criteria provided, single submitter. Criteria: Invitae Variant Classification Sherloc (09022015). Collection method: clinical testing. Allele origin: germline.
Comment: This sequence change replaces threonine, which is neutral and polar, with alanine, which is neutral and non-polar, at codon 314 of the GPR143 protein (p.Thr314Ala). The frequency data for this variant in the population databases is considered unreliable, as metrics indicate poor data quality at this position in the gnomAD database. This variant has not been reported in the literature in individuals affected with GPR143-related conditions. Invitae Evidence Modeling of protein sequence and biophysical properties (such as structural, functional, and spatial information, amino acid conservation, physicochemical variation, residue mobility, and thermodynamic stability) indicates that this missense variant is not expected to disrupt GPR143 protein function with a negative predictive value of 95%. In summary, the available evidence is currently insufficient to determine the role of this variant in disease. Therefore, it has been classified as a Variant of Uncertain Significance.